The following is an entry in ClinVar:

ClinVar aggregate classification (germline): Conflicting classifications of pathogenicity. Review status: criteria provided, conflicting classifications (1 of 4 stars). 4 submissions from 4 submitters: Uncertain significance (3); Likely benign (1). Last evaluated 2025-11-12.

Conditions:
Hypogonadotropic hypogonadism 5 with or without anosmia (KAL5). Also called: HYPOGONADOTROPIC HYPOGONADISM 5 WITH ANOSMIA; HYPOGONADOTROPHIC HYPOGONADISM 5 WITHOUT ANOSMIA; CHD7-Related GnRH Deficiency (Kallmann Syndrome 5). Identifiers: Orphanet 478, MedGen C3552553, MONDO:0012880, OMIM 612370. Disease mechanism: loss of function.
CHARGE syndrome (CHARGE). Also called: Hittner Hirsch Kreh syndrome; Coloboma, heart anomaly, choanal atresia, retardation, genital and ear anomalies; CHARGE association; Hall-Hittner syndrome; CHARGE ASSOCIATION--COLOBOMA, HEART ANOMALY, CHOANAL ATRESIA, RETARDATION, GENITAL AND EAR ANOMALIES. Identifiers: Orphanet 138, MedGen C0265354, MONDO:0008965.
Hearing impairment. Also called: Impaired Hearing. Identifiers: MedGen C1384666, MONDO:0005365, HP:0000365.

Allele frequency attached by ClinVar (database versions not stated): gnomAD 0.00001; ExAC 0.00002; gnomAD exomes 0.00002; TOPMed 0.00005.
gnomAD v4.1: 25 of 1,613,868 alleles (0.0015%); highest among the groups gnomAD compares: Non-Finnish European, 0.002%; no homozygotes.

Submissions (4):

Labcorp Genetics (formerly Invitae), Labcorp
Classification: Uncertain significance for CHARGE syndrome. Last evaluated: 2025-11-12. Review status: criteria provided, single submitter. Criteria: Invitae Variant Classification Sherloc (09022015). Collection method: clinical testing. Allele origin: germline.
Comment: This sequence change replaces leucine, which is neutral and non-polar, with valine, which is neutral and non-polar, at codon 2069 of the CHD7 protein (p.Leu2069Val). This variant is present in population databases (rs752107963, gnomAD 0.004%). This variant has not been reported in the literature in individuals affected with CHD7-related conditions. ClinVar contains an entry for this variant (Variation ID: 941069). Invitae Evidence Modeling of protein sequence and biophysical properties (such as structural, functional, and spatial information, amino acid conservation, physicochemical variation, residue mobility, and thermodynamic stability) has been performed for this missense variant. However, the output from this modeling did not meet the statistical confidence thresholds required to predict the impact of this variant on CHD7 protein function. In summary, the available evidence is currently insufficient to determine the role of this variant in disease. Therefore, it has been classified as a Variant of Uncertain Significance.

Fulgent Genetics
Classification: Uncertain significance for CHD7-related CHARGE syndrome; Hypogonadotropic hypogonadism 5 with or without anosmia. Last evaluated: 2024-04-15. Review status: criteria provided, single submitter. Criteria: ACMG Guidelines, 2015. Collection method: clinical testing. Allele origin: germline.

Blueprint Genetics
Classification: Likely benign. Last evaluated: 2023-09-12. Review status: criteria provided, single submitter. Criteria: ACMG Guidelines, 2015. Collection method: clinical testing. Allele origin: germline.

Department of Otolaryngology – Head & Neck Surgery, Cochlear Implant Center
Classification: Uncertain significance for Hearing impairment. Last evaluated: 2021-04-12. Review status: criteria provided, single submitter. Criteria: ClinGen HL ACMG Specifications v1. Collection method: clinical testing. Allele origin: germline. Affected: yes.
Comment: PM2_Moderate, PP3_Supporting

NM_017780.4(CHD7):c.6205C>G (p.Leu2069Val)

Gene: CHD7 (chromodomain helicase DNA binding protein 7; plus strand). Cytogenetic location: 8q12.2.
Variant type: single nucleotide variant.
Coding change: c.6205C>G on transcript NM_017780.4 (MANE Select); coding-DNA position 6205, C replaced by G.
Protein change: p.Leu2069Val; replaces leucine 2069 with valine.
Molecular consequence: missense variant. On other transcripts: intron variant (1).
Genome position (GRCh38, 1-based): chr8:60,852,930, C>G. VCF-style: chr8-60852930-C-G. GRCh37 (hg19) VCF-style: chr8-61765489-C-G.
Other names: c.1717-9299C>G (NM_001316690.1); short protein forms L2069V.
Identifiers: ClinVar variation 941069 (VCV000941069.14), dbSNP rs752107963, ClinGen allele CA4760550.